The following is an entry in ClinVar:

NM_001283009.2(RTEL1):c.3556A>G (p.Arg1186Gly)

Genes: RTEL1 (regulator of telomere elongation helicase 1; plus strand), RTEL1-TNFRSF6B (RTEL1-TNFRSF6B readthrough (NMD candidate); plus strand). Cytogenetic location: 20q13.33.
Variant type: single nucleotide variant.
Coding change: c.3556A>G on transcript NM_001283009.2 (MANE Select); coding-DNA position 3556, A replaced by G.
Protein change: p.Arg1186Gly; replaces arginine 1186 with glycine.
Molecular consequence: missense variant. On other transcripts: non-coding transcript variant (1).
Genome position (GRCh38, 1-based): chr20:63,695,384, A>G. VCF-style: chr20-63695384-A-G. GRCh37 (hg19) VCF-style: chr20-62326737-A-G.
Other names: c.2887A>G, p.Arg963Gly (NM_001283010.1); c.3556A>G, p.Arg1186Gly (NM_016434.4); c.3628A>G, p.Arg1210Gly (NM_032957.5); short protein forms R1210G, R963G, R1186G.
Identifiers: ClinVar variation 1911795 (VCV001911795.3), dbSNP rs2517203069, ClinGen allele CA409685691.
Genomic context (GRCh38, chr20:63,695,384, plus strand): 5'-CCAGGCCCCTCACGGTCCGAGAAGACCGGGAAGACCCAGAGCAAGATCTCGTCCTTCCTT[A>G]GACAGAGGCCAGCAGGGACTGTGGGGGCGGGCGGTGAGGATGCAGGTCCCAGCCAGTCCT-3'
Protein context (NP_001269938.1, residues 1176-1196): KTQSKISSFL[Arg1186Gly]QRPAGTVGAG

ClinVar aggregate classification (germline): Uncertain significance. Review status: criteria provided, multiple submitters, no conflicts (2 of 4 stars). 2 submissions from 2 submitters: Uncertain significance (2). Last evaluated 2025-03-26.

Conditions:
Pulmonary fibrosis and/or bone marrow failure, Telomere-related, 3. Also called: PULMONARY FIBROSIS AND/OR BONE MARROW FAILURE SYNDROME, TELOMERE-RELATED, 3. Identifiers: Orphanet 2032, MedGen C4225346, MONDO:0014613, OMIM 616373.
Dyskeratosis congenita, autosomal recessive 5 (DKCB5). Identifiers: MedGen C3554656, MONDO:0014076, OMIM 615190.
Inborn genetic diseases. Identifiers: MedGen C0950123, MeSH D030342.

Submissions (2):

Ambry Genetics
Classification: Uncertain significance for Inborn genetic diseases. Last evaluated: 2025-03-26. Review status: criteria provided, single submitter. Criteria: Ambry Variant Classification Scheme 2023. Collection method: clinical testing. Allele origin: germline.
Comment: The p.R1186G variant (also known as c.3556A>G), located in coding exon 33 of the RTEL1 gene, results from an A to G substitution at nucleotide position 3556. The arginine at codon 1186 is replaced by glycine, an amino acid with dissimilar properties. This amino acid position is conserved. In addition, this alteration is predicted to be tolerated by in silico analysis. Based on the available evidence, the clinical significance of this variant remains unclear.

Labcorp Genetics (formerly Invitae), Labcorp
Classification: Uncertain significance for Dyskeratosis congenita, autosomal recessive 5; Pulmonary fibrosis and/or bone marrow failure, Telomere-related, 3. Last evaluated: 2021-12-12. Review status: criteria provided, single submitter. Criteria: Invitae Variant Classification Sherloc (09022015). Collection method: clinical testing. Allele origin: germline.
Comment: This sequence change replaces arginine, which is basic and polar, with glycine, which is neutral and non-polar, at codon 1186 of the RTEL1 protein (p.Arg1186Gly). This variant is not present in population databases (gnomAD no frequency). This variant has not been reported in the literature in individuals affected with RTEL1-related conditions. Algorithms developed to predict the effect of missense changes on protein structure and function output the following: SIFT: "Tolerated"; PolyPhen-2: "Benign"; Align-GVGD: "Class C0". The glycine amino acid residue is found in multiple mammalian species, which suggests that this missense change does not adversely affect protein function. In summary, the available evidence is currently insufficient to determine the role of this variant in disease. Therefore, it has been classified as a Variant of Uncertain Significance.